The following is an entry in ClinVar:

ClinVar aggregate classification (germline): Uncertain significance. Review status: criteria provided, multiple submitters, no conflicts (2 of 4 stars). 3 submissions from 3 submitters: Uncertain significance (3). Last evaluated 2021-07-09.

Conditions:
Dilated cardiomyopathy 1DD (CMD1DD). Identifiers: Orphanet 154, MedGen C2750995, MONDO:0013168, OMIM 613172.
Cardiovascular phenotype. Identifiers: MedGen CN230736.

Submissions (3):

Labcorp Genetics (formerly Invitae), Labcorp
Classification: Uncertain significance for Dilated cardiomyopathy 1DD. Last evaluated: 2021-07-09. Review status: criteria provided, single submitter. Criteria: Invitae Variant Classification Sherloc (09022015). Collection method: clinical testing. Allele origin: germline.
Comment: Advanced modeling of protein sequence and biophysical properties (such as structural, functional, and spatial information, amino acid conservation, physicochemical variation, residue mobility, and thermodynamic stability) performed at Invitae indicates that this missense variant is not expected to disrupt RBM20 protein function. Algorithms developed to predict the effect of sequence changes on RNA splicing suggest that this variant may create or strengthen a splice site. In summary, the available evidence is currently insufficient to determine the role of this variant in disease. Therefore, it has been classified as a Variant of Uncertain Significance. This variant has not been reported in the literature in individuals affected with RBM20-related conditions. This sequence change replaces isoleucine with valine at codon 169 of the RBM20 protein (p.Ile169Val). The isoleucine residue is weakly conserved and there is a small physicochemical difference between isoleucine and valine. This variant is not present in population databases (ExAC no frequency).

Fulgent Genetics
Classification: Uncertain significance for Dilated cardiomyopathy 1DD. Last evaluated: 2021-07-02. Review status: criteria provided, single submitter. Criteria: ACMG Guidelines, 2015. Collection method: clinical testing. Allele origin: unknown.

Ambry Genetics
Classification: Uncertain significance for Cardiovascular phenotype. Last evaluated: 2020-07-10. Review status: criteria provided, single submitter. Criteria: Ambry Variant Classification Scheme 2023. Collection method: clinical testing. Allele origin: germline.
Comment: The p.I169V variant (also known as c.505A>G), located in coding exon 2 of the RBM20 gene, results from an A to G substitution at nucleotide position 505. The isoleucine at codon 169 is replaced by valine, an amino acid with highly similar properties. This amino acid position is not well conserved in available vertebrate species, and valine is the reference amino acid in other vertebrate species. In addition, this alteration is predicted to be tolerated by in silico analysis. Since supporting evidence is limited at this time, the clinical significance of this alteration remains unclear.

NM_001134363.3(RBM20):c.505A>G (p.Ile169Val)

Gene: RBM20 (RNA binding motif protein 20; plus strand). Cytogenetic location: 10q25.2.
Variant type: single nucleotide variant.
Coding change: c.505A>G on transcript NM_001134363.3 (MANE Select); coding-DNA position 505, A replaced by G.
Protein change: p.Ile169Val; replaces isoleucine 169 with valine.
Molecular consequence: missense variant.
Genome position (GRCh38, 1-based): chr10:110,781,114, A>G. VCF-style: chr10-110781114-A-G. GRCh37 (hg19) VCF-style: chr10-112540872-A-G.
Other names: c.505A>G (NM_001134363.2); short protein forms I169V.
Identifiers: ClinVar variation 1518385 (VCV001518385.11), dbSNP rs2135041793, ClinGen allele CA378380828.